The following is an entry in ClinVar:

ClinVar aggregate classification (germline): Uncertain significance (1 of 4 stars; one submission).

gnomAD v4.1: 5 of 1,614,006 alleles (0.00031%); highest among the groups gnomAD compares: Non-Finnish European, 0.00042%; no homozygotes.

Submission:

Ambry Genetics
Classification: Uncertain significance. Last evaluated: 2023-12-31. Review status: criteria provided, single submitter. Criteria: Ambry Variant Classification Scheme 2023. Collection method: clinical testing. Allele origin: germline.
Comment: The p.T36S variant (also known as c.107C>G), located in coding exon 1 of the MNDA gene, results from a C to G substitution at nucleotide position 107. The threonine at codon 36 is replaced by serine, an amino acid with similar properties. This amino acid position is conserved. In addition, this alteration is predicted to be tolerated by in silico analysis. Since supporting evidence is limited at this time, the clinical significance of this alteration remains unclear.

NM_002432.3(MNDA):c.107C>G (p.Thr36Ser)

Gene: MNDA (myeloid cell nuclear differentiation antigen; plus strand). Cytogenetic location: 1q23.1.
Variant type: single nucleotide variant.
Coding change: c.107C>G on transcript NM_002432.3 (MANE Select); coding-DNA position 107, C replaced by G.
Protein change: p.Thr36Ser; replaces threonine 36 with serine.
Molecular consequence: missense variant.
Genome position (GRCh38, 1-based): chr1:158,842,260, C>G. VCF-style: chr1-158842260-C-G. GRCh37 (hg19) VCF-style: chr1-158812050-C-G.
Other names: short protein forms T36S.
Identifiers: ClinVar variation 3222167 (VCV003222167.1), dbSNP rs1007525613, ClinGen allele CA31302790.
Genomic context (GRCh38, chr1:158,842,260, plus strand): 5'-TCATGGATGATTATCATTTTACATCAATTAAGTCCTTACTGGCCTATGATTTAGGACTAA[C>G]TACAAAAATGCAAGAGGAATACAACAGAATTAAGATTACAGATTTGATGGAAAAAAAGTT-3'
Protein context (NP_002423.1, residues 26-46): KSLLAYDLGL[Thr36Ser]TKMQEEYNRI